The following is an entry in ClinVar:

ClinVar aggregate classification (germline): Uncertain significance (1 of 4 stars; one submission).

Conditions:
DICER1-related tumor predisposition. Also called: DICER1-related pleuropulmonary blastoma cancer predisposition syndrome; DICER1 syndrome. Identifiers: Orphanet 284343, MedGen C3839822, MONDO:0100216.

gnomAD v4.1: 2 of 1,613,368 alleles (0.00012%); highest among the groups gnomAD compares: Non-Finnish European, 0.00017%; no homozygotes.

Submission:

Labcorp Genetics (formerly Invitae), Labcorp
Classification: Uncertain significance for DICER1-related tumor predisposition. Last evaluated: 2024-09-29. Review status: criteria provided, single submitter. Criteria: Invitae Variant Classification Sherloc (09022015). Collection method: clinical testing. Allele origin: germline.
Comment: This sequence change replaces glutamic acid, which is acidic and polar, with aspartic acid, which is acidic and polar, at codon 574 of the DICER1 protein (p.Glu574Asp). This variant is not present in population databases (gnomAD no frequency). This variant has not been reported in the literature in individuals affected with DICER1-related conditions. Invitae Evidence Modeling of protein sequence and biophysical properties (such as structural, functional, and spatial information, amino acid conservation, physicochemical variation, residue mobility, and thermodynamic stability) indicates that this missense variant is not expected to disrupt DICER1 protein function with a negative predictive value of 80%. In summary, the available evidence is currently insufficient to determine the role of this variant in disease. Therefore, it has been classified as a Variant of Uncertain Significance.

NM_177438.3(DICER1):c.1722A>C (p.Glu574Asp)

Gene: DICER1 (dicer 1, ribonuclease III; minus strand). Cytogenetic location: 14q32.13.
Variant type: single nucleotide variant.
Coding change: c.1722A>C on transcript NM_177438.3 (MANE Select); coding-DNA position 1722, A replaced by C.
Protein change: p.Glu574Asp; replaces glutamic acid 574 with aspartic acid.
Molecular consequence: missense variant. On other transcripts: non-coding transcript variant (6).
Genome position (GRCh38, 1-based): chr14:95,116,483, T>G on the plus strand (A>C on the coding strand, the complement: DICER1 is on the minus strand). VCF-style: chr14-95116483-T-G. GRCh37 (hg19) VCF-style: chr14-95582820-T-G.
Other names: c.1722A>C, p.Glu574Asp (NM_001195573.1, NM_001271282.3, NM_001291628.2 and 12 more transcripts); c.1440A>C, p.Glu480Asp (NM_001395686.1); c.1317A>C, p.Glu439Asp (NM_001395687.1, NM_001395688.1, NM_001395689.1 and 3 more transcripts); c.1155A>C, p.Glu385Asp (NM_001395691.1); c.39A>C, p.Glu13Asp (NM_001395697.1); short protein forms E13D, E480D, E385D, E439D, E574D.
Identifiers: ClinVar variation 3730573 (VCV003730573.2).